The following is an entry in ClinVar:

ClinVar aggregate classification (germline): Uncertain significance (1 of 4 stars; one submission).

Submission:

GeneDx
Classification: Uncertain significance. Last evaluated: 2017-04-21. Review status: criteria provided, single submitter. Criteria: GeneDx Variant Classification (06012015). Collection method: clinical testing. Allele origin: germline. Affected: yes.
Comment: A variant of uncertain significance has been identified in the SCN10A gene. The I1784T variant has not been published as pathogenic or been reported as benign to our knowledge. Additionally, this variant is not observed in large population cohorts (Lek et al., 2016; 1000 Genomes Consortium et al., 2015; Exome Variant Server). The I1784T variant is a non-conservative amino acid substitution, which is likely to impact secondary protein structure as these residues differ in polarity, charge, size and/or other properties. However, this substitution occurs at a position that is not conserved across species and threonine (T) is the wild-type residue at this position in multiple mammalian species. In silico analysis predicts this variant likely does not alter the protein structure/function.

NM_006514.4(SCN10A):c.5351T>C (p.Ile1784Thr)

Gene: SCN10A (sodium voltage-gated channel alpha subunit 10; minus strand). Cytogenetic location: 3p22.2.
Variant type: single nucleotide variant.
Coding change: c.5351T>C on transcript NM_006514.4 (MANE Select); coding-DNA position 5351, T replaced by C.
Protein change: p.Ile1784Thr; replaces isoleucine 1784 with threonine.
Molecular consequence: missense variant.
Genome position (GRCh38, 1-based): chr3:38,697,869, A>G on the plus strand (T>C on the coding strand, the complement: SCN10A is on the minus strand). VCF-style: chr3-38697869-A-G. GRCh37 (hg19) VCF-style: chr3-38739360-A-G.
Other names: c.5348T>C, p.Ile1783Thr (NM_001293306.2); c.5057T>C, p.Ile1686Thr (NM_001293307.2); short protein forms I1784T, I1686T, I1783T.
Identifiers: ClinVar variation 426289 (VCV000426289.2), dbSNP rs1085307543, ClinGen allele CA352153864.
Genomic context (GRCh38, chr3:38,697,869, plus strand): 5'-AGGATGTCCAAGCAGTGGATCTTATCTCCAGGGACCAAAGGCAGGTCCATCTGGATCAGT[A>G]TATTTCGATTGGGTTTTGGGATTCTCAGGGGACCAGAGAGAGTGTCTGCAAAGTCCGAGA-3'
Protein context (NP_006505.4, residues 1774-1794): PLRIPKPNRN[Ile1784Thr]LIQMDLPLVP